The following is an entry in ClinVar:

ClinVar aggregate classification (germline): Pathogenic. Review status: criteria provided, multiple submitters, no conflicts (2 of 4 stars). 2 submissions from 2 submitters: Pathogenic (2). Last evaluated 2025-10-08.

Conditions:
Rhabdoid tumor predisposition syndrome 2 (RTPS2). Identifiers: Orphanet 231108, Orphanet 69077, MedGen C2750074, MONDO:0013224, OMIM 613325.
Hereditary cancer-predisposing syndrome. Also called: Neoplastic Syndromes, Hereditary; Hereditary neoplastic syndrome; Tumor predisposition; Hereditary Cancer Syndrome. Identifiers: Orphanet 140162, MedGen C0027672, MeSH D009386, MONDO:0015356.

Submissions (2):

Ambry Genetics
Classification: Pathogenic for Hereditary cancer-predisposing syndrome. Last evaluated: 2025-10-08. Review status: criteria provided, single submitter. Criteria: Ambry Variant Classification Scheme 2023. Collection method: clinical testing. Allele origin: germline.
Comment: The c.579delG pathogenic mutation, located in coding exon 3 of the SMARCA4 gene, results from a deletion of one nucleotide at nucleotide position 579, causing a translational frameshift with a predicted alternate stop codon (p.Q194Sfs*109). This variant is considered to be rare based on population cohorts in the Genome Aggregation Database (gnomAD). This alteration is expected to result in loss of function by premature protein truncation or nonsense-mediated mRNA decay. Loss-of-function variants in SMARCA4 are known to cause rhabdoid tumor predisposition syndrome including small cell carcinoma of the ovary-hypercalcemic type (SCCOHT); however, such associations with neurodevelopmental disorders are exceedingly rare (Kosho T et al. Am J Med Genet C Semin Med Genet. 2014 Sep;166C(3):262-75; Jelinic P et al. Nat Genet. 2014 May;46(5):424-6). Based on the supporting evidence, this alteration is pathogenic for rhabdoid tumor predisposition syndrome; however, the association of this alteration with Coffin-Siris syndrome is unlikely.

Labcorp Genetics (formerly Invitae), Labcorp
Classification: Pathogenic for Rhabdoid tumor predisposition syndrome 2. Last evaluated: 2022-05-18. Review status: criteria provided, single submitter. Criteria: Invitae Variant Classification Sherloc (09022015). Collection method: clinical testing. Allele origin: germline.
Comment: This sequence change creates a premature translational stop signal (p.Gln194Serfs*109) in the SMARCA4 gene. It is expected to result in an absent or disrupted protein product. Loss-of-function variants in SMARCA4 are known to be pathogenic (PMID: 24658001, 24658002). For these reasons, this variant has been classified as Pathogenic. This variant has not been reported in the literature in individuals affected with SMARCA4-related conditions. This variant is not present in population databases (gnomAD no frequency).

Literature cited by the submitters: PubMed 24658001 (cited by Labcorp Genetics (formerly Invitae), Labcorp); PubMed 24658002 (cited by Labcorp Genetics (formerly Invitae), Labcorp).

NM_003072.5(SMARCA4):c.579del (p.Gln194fs)

Gene: SMARCA4 (SWI/SNF related BAF chromatin remodeling complex subunit ATPase 4; plus strand). Cytogenetic location: 19p13.2.
Variant type: Deletion.
Coding change: c.579del on transcript NM_003072.5 (MANE Select); coding-DNA position 579, one base deleted (G; older notation c.579delG).
Protein change: p.Gln194fs; shifts the reading frame from glutamine 194.
Molecular consequence: frameshift variant. On other transcripts: non-coding transcript variant (1).
Genome position (GRCh38, 1-based): chr19:10,986,412, G deleted; the last of 5 consecutive G bases (chr19:10,986,408-10,986,412); deleting any one gives the same sequence. VCF-style (leftmost placement, unchanged base first): chr19-10986407-AG-A. GRCh37 (hg19) VCF-style: chr19-11097083-AG-A.
Other names: c.579delG (NM_001128849.1); c.579del, p.Gln194fs (NM_001128844.3, NM_001128845.2, NM_001128846.2 and 5 more transcripts); c.579delG, p.Gln194Serfs (NM_001411150.1); short protein forms Q194fs.
Identifiers: ClinVar variation 1996078 (VCV001996078.5), dbSNP rs2513999537, ClinGen allele CA2580096367.